The following is an entry in ClinVar:

ClinVar aggregate classification (germline): Uncertain significance (1 of 4 stars; one submission).

Submission:

Labcorp Genetics (formerly Invitae), Labcorp
Classification: Uncertain significance. Last evaluated: 2022-10-30. Review status: criteria provided, single submitter. Criteria: Invitae Variant Classification Sherloc (09022015). Collection method: clinical testing. Allele origin: germline.
Comment: This variant, c.2903_2905del, results in the deletion of 1 amino acid(s) of the CTR9 protein (p.Glu968del), but otherwise preserves the integrity of the reading frame. This variant is not present in population databases (gnomAD no frequency). This variant has not been reported in the literature in individuals affected with CTR9-related conditions. Experimental studies and prediction algorithms are not available or were not evaluated, and the functional significance of this variant is currently unknown. In summary, the available evidence is currently insufficient to determine the role of this variant in disease. Therefore, it has been classified as a Variant of Uncertain Significance.

NM_014633.5(CTR9):c.2900AAG[1] (p.Glu968del)

Gene: CTR9 (CTR9 component of Paf1/RNA polymerase II complex; plus strand). Cytogenetic location: 11p15.4.
Variant type: Microsatellite.
Coding change: c.2900AAG[1] on transcript NM_014633.5 (MANE Select); one copy of the 3-base unit AAG starting at c.2900; the reference has two copies in a row; one copy, 3 bases deleted.
Protein change: p.Glu968del; deletes glutamic acid 968.
Molecular consequence: inframe deletion.
Genome position (GRCh38, 1-based): chr11:10,775,224-10,775,226, AAG deleted; deleting any 3 consecutive bases within chr11:10,775,219-10,775,226 gives the same sequence; the position shown is the placement nearest the transcript's 3' end. VCF-style (leftmost placement, unchanged base first): chr11-10775218-GAGA-G. GRCh37 (hg19) VCF-style: chr11-10796765-GAGA-G.
Other names: c.2828AAG[1], p.Glu944del (NM_001346279.2); short protein forms E968del, E944del.
Identifiers: ClinVar variation 2897706 (VCV002897706.3), dbSNP rs2539393428, ClinGen allele CA2612482394.
Genomic context (GRCh38, chr11:10,775,218, plus strand): 5'-TTTATAGGTAGGCTCTTGACAAACTCTCTCTTGGTGTTCACTATTTAAGACATCCAAAGG[GAGA>G]AGAAGGATCTGATGATGATGAAACAGAAAATGGCCCCAAACCAAAAAAACGACGTCCACC-3'